The following is an entry in ClinVar:

NM_004085.4(TIMM8A):c.217dup (p.Thr73fs)

Gene: TIMM8A (translocase of inner mitochondrial membrane 8A; minus strand). Cytogenetic location: Xq22.1.
Variant type: Duplication.
Coding change: c.217dup on transcript NM_004085.4 (MANE Select); coding-DNA position 217, one base duplicated (A; older notation c.217dupA).
Protein change: p.Thr73fs; shifts the reading frame from threonine 73.
Molecular consequence: frameshift variant. On other transcripts: 3 prime UTR variant (1).
Genome position (GRCh38, 1-based): chrX:101,346,576, T duplicated on the plus strand (A on the coding strand, the reverse complement: TIMM8A is on the minus strand). VCF-style (leftmost placement, unchanged base first): chrX-101346575-G-GT. GRCh37 (hg19) VCF-style: chrX-100601563-G-GT.
Other names: c.*1811dup (NM_001145951.2); short protein forms T73fs.
Identifiers: ClinVar variation 3601881 (VCV003601881.1).

ClinVar aggregate classification (germline): Pathogenic (1 of 4 stars; one submission).

Conditions:
Deafness dystonia syndrome (MTS). Also called: DYSTONIA-DEAFNESS SYNDROME, X-LINKED; Opticoacustic nerve atrophy with dementia; Nerve deafness optic nerve atrophy, and dementia; Syndrome of opticoacoustic nerve atrophy with dementia; Deafness-Dystonia-Optic Neuronopathy Syndrome; DEAFNESS SYNDROME, PROGRESSIVE, WITH BLINDNESS, DYSTONIA, FRACTURES, AND MENTAL DEFICIENCY. Identifiers: Orphanet 52368, MedGen C0796074, MONDO:0010578, OMIM 304700.

Submission:

Institute of Rare Diseases, West China Hospital, Sichuan University
Classification: Pathogenic for Deafness dystonia syndrome. Last evaluated: 2025-01-09. Review status: criteria provided, single submitter. Criteria: ClinGen HL ACMG Specifications v1. Collection method: research. Allele origin: germline. Affected: yes.
Comment: PVS1;PM3_Supporting;PM2_Supporting